The following is an entry in ClinVar:

ClinVar aggregate classification (germline): Uncertain significance (1 of 4 stars; one submission).

Conditions:
Dilated cardiomyopathy 1G (CMD1G). Identifiers: Orphanet 154, MedGen C1858763, MONDO:0011400, OMIM 604145.
Autosomal recessive limb-girdle muscular dystrophy type 2J (LGMDR10). Also called: Limb-girdle muscular dystrophy, type 2J; MUSCULAR DYSTROPHY, LIMB-GIRDLE, AUTOSOMAL RECESSIVE 10. Identifiers: Orphanet 140922, MedGen C1837342, MONDO:0012127, OMIM 608807.

Submission:

Labcorp Genetics (formerly Invitae), Labcorp
Classification: Uncertain significance for Dilated cardiomyopathy 1G; Autosomal recessive limb-girdle muscular dystrophy type 2J. Last evaluated: 2021-11-28. Review status: criteria provided, single submitter. Criteria: Invitae Variant Classification Sherloc (09022015). Collection method: clinical testing. Allele origin: germline.
Comment: This variant is located in the A band of TTN (PMID: 25589632). Variants in this region may be relevant for cardiac or neuromuscular disorders (PMID: 25589632, 23975875). In summary, the available evidence is currently insufficient to determine the role of this variant in disease. Therefore, it has been classified as a Variant of Uncertain Significance. Variants that disrupt the consensus splice site are a relatively common cause of aberrant splicing (PMID: 17576681, 9536098). Algorithms developed to predict the effect of sequence changes on RNA splicing suggest that this variant may disrupt the consensus splice site. This variant has not been reported in the literature in individuals affected with TTN-related conditions. This variant is not present in population databases (gnomAD no frequency). This sequence change falls in intron 348 of the TTN gene. It does not directly change the encoded amino acid sequence of the TTN protein. It affects a nucleotide within the consensus splice site.

Literature cited by the submitters: PubMed 25589632; PubMed 23975875; PubMed 17576681; PubMed 9536098.

NM_001267550.2(TTN):c.97192+5G>A

Genes: TTN (titin; minus strand), TTN-AS1 (TTN antisense RNA 1; plus strand), LOC129935186 (ATAC-STARR-seq lymphoblastoid active region 16811; plus strand). Cytogenetic location: 2q31.2.
Variant type: single nucleotide variant.
Coding change: c.97192+5G>A on transcript NM_001267550.2 (MANE Select); 5 bases into the intron after coding-DNA position 97192, G replaced by A.
Molecular consequence: intron variant.
Genome position (GRCh38, 1-based): chr2:178,542,657, C>T on the plus strand (G>A on the coding strand, the complement: TTN is on the minus strand). VCF-style: chr2-178542657-C-T. GRCh37 (hg19) VCF-style: chr2-179407384-C-T.
Other names: c.69997+5G>A (NM_003319.4); c.70573+5G>A (NM_133437.4); c.70372+5G>A (NM_133432.3); c.89488+5G>A (NM_133378.4); c.92269+5G>A (NM_001256850.1).
Identifiers: ClinVar variation 1496416 (VCV001496416.6), dbSNP rs2154142801, ClinGen allele CA2573134079.